The following is an entry in ClinVar:

NM_006030.4(CACNA2D2):c.1325C>A (p.Ala442Asp)

Gene: CACNA2D2 (calcium voltage-gated channel auxiliary subunit alpha2delta 2; minus strand). Cytogenetic location: 3p21.31.
Variant type: single nucleotide variant.
Coding change: c.1325C>A on transcript NM_006030.4 (MANE Select); coding-DNA position 1325, C replaced by A.
Protein change: p.Ala442Asp; replaces alanine 442 with aspartic acid.
Molecular consequence: missense variant.
Genome position (GRCh38, 1-based): chr3:50,378,929, G>T on the plus strand (C>A on the coding strand, the complement: CACNA2D2 is on the minus strand). VCF-style: chr3-50378929-G-T. GRCh37 (hg19) VCF-style: chr3-50416360-G-T.
Other names: c.1325C>A, p.Ala442Asp (NM_001005505.3, NM_001174051.3); c.1118C>A, p.Ala373Asp (NM_001291101.1); short protein forms A373D, A442D.
Identifiers: ClinVar variation 838379 (VCV000838379.7), dbSNP rs754316620, ClinGen allele CA352930997.
Genomic context (GRCh38, chr3:50,378,929, plus strand): 5'-AAGAAATGGCAGGCAGGCCCCTGACAGTGATGCGCAGGGGAGGTACCTTTGTTGGCACAG[G>T]CCATCCACTGCAGCGGTGTGACGTCATAGTTATGCTGCCCCACGGAGAAAGTAAACACGC-3'
Protein context (NP_006021.2, residues 432-452): NYDVTPLQWM[Ala442Asp]CANKGYYFEI

ClinVar aggregate classification (germline): Uncertain significance (1 of 4 stars; one submission).

Conditions:
Early-infantile DEE. Also called: Ohtahara syndrome; Early infantile epileptic encephalopathy with suppression bursts; Early infantile epileptic encephalopathy. Identifiers: Orphanet 1934, MedGen C0393706, MONDO:0800491.

Submission:

Labcorp Genetics (formerly Invitae), Labcorp
Classification: Uncertain significance for Early-infantile DEE. Last evaluated: 2019-05-02. Review status: criteria provided, single submitter. Criteria: Invitae Variant Classification Sherloc (09022015). Collection method: clinical testing. Allele origin: germline.
Comment: In summary, the available evidence is currently insufficient to determine the role of this variant in disease. Therefore, it has been classified as a Variant of Uncertain Significance. Algorithms developed to predict the effect of missense changes on protein structure and function are either unavailable or do not agree on the potential impact of this missense change (SIFT: "Deleterious"; PolyPhen-2: "Possibly Damaging"; Align-GVGD: "Class C0"). This variant has not been reported in the literature in individuals with CACNA2D2-related conditions. This variant is not present in population databases (ExAC no frequency). This sequence change replaces alanine with aspartic acid at codon 442 of the CACNA2D2 protein (p.Ala442Asp). The alanine residue is moderately conserved and there is a moderate physicochemical difference between alanine and aspartic acid.